The following is an entry in ClinVar:

NM_000384.3(APOB):c.1069G>C (p.Gly357Arg)

Gene: APOB (apolipoprotein B; minus strand). Cytogenetic location: 2p24.1.
Variant type: single nucleotide variant.
Coding change: c.1069G>C on transcript NM_000384.3 (MANE Select); coding-DNA position 1069, G replaced by C.
Protein change: p.Gly357Arg; replaces glycine 357 with arginine.
Molecular consequence: missense variant.
Genome position (GRCh38, 1-based): chr2:21,033,354, C>G on the plus strand (G>C on the coding strand, the complement: APOB is on the minus strand). VCF-style: chr2-21033354-C-G. GRCh37 (hg19) VCF-style: chr2-21256226-C-G.
Other names: short protein forms G357R.
Identifiers: ClinVar variation 4071838 (VCV004071838.1).

ClinVar aggregate classification (germline): Uncertain significance (1 of 4 stars; one submission).

Submission:

GeneDx
Classification: Uncertain significance. Last evaluated: 2025-01-23. Review status: criteria provided, single submitter. Criteria: GeneDx Variant Classification Process June 2021. Collection method: clinical testing. Allele origin: germline. Affected: yes.
Comment: Not observed at significant frequency in large population cohorts (gnomAD); In silico analysis supports that this missense variant has a deleterious effect on protein structure/function; Has not been previously published as pathogenic or benign to our knowledge